The following is an entry in ClinVar:

ClinVar aggregate classification (germline): Uncertain significance (1 of 4 stars; one submission).

Conditions:
Hereditary cancer-predisposing syndrome. Also called: Tumor predisposition; Hereditary Cancer Syndrome; Hereditary neoplastic syndrome; Neoplastic Syndromes, Hereditary. Identifiers: Orphanet 140162, MedGen C0027672, MeSH D009386, MONDO:0015356.

Submission:

Ambry Genetics
Classification: Uncertain significance for Hereditary cancer-predisposing syndrome. Last evaluated: 2025-10-17. Review status: criteria provided, single submitter. Criteria: Ambry Variant Classification Scheme 2023. Collection method: clinical testing. Allele origin: germline.
Comment: The p.D421E variant (also known as c.1263T>G), located in coding exon 13 of the RB1 gene, results from a T to G substitution at nucleotide position 1263. The aspartic acid at codon 421 is replaced by glutamic acid, an amino acid with highly similar properties. This amino acid position is conserved. In addition, this alteration is predicted to be tolerated by in silico analysis. Based on the available evidence, the clinical significance of this variant remains unclear.

NM_000321.3(RB1):c.1263T>G (p.Asp421Glu)

Gene: RB1 (RB transcriptional corepressor 1; plus strand). Cytogenetic location: 13q14.2.
Variant type: single nucleotide variant.
Coding change: c.1263T>G on transcript NM_000321.3 (MANE Select); coding-DNA position 1263, T replaced by G.
Protein change: p.Asp421Glu; replaces aspartic acid 421 with glutamic acid.
Molecular consequence: missense variant.
Genome position (GRCh38, 1-based): chr13:48,376,965, T>G. VCF-style: chr13-48376965-T-G. GRCh37 (hg19) VCF-style: chr13-48951101-T-G.
Other names: c.1263T>G, p.Asp421Glu (NM_001407165.1, NM_001407166.1); short protein forms D421E.
Identifiers: ClinVar variation 4543995 (VCV004543995.1).
Genomic context (GRCh38, chr13:48,376,965, plus strand): 5'-TTACCTCCTAAAGAACTGCACAGTGAATCCAAAAGAAAGTATACTGAAAAGAGTGAAGGA[T>G]ATAGGATACATCTTTAAAGAGAAATTTGCTAAAGCTGTGGGACAGGGTTGTGTCGAAATT-3'
Protein context (NP_000312.2, residues 411-431): PKESILKRVK[Asp421Glu]IGYIFKEKFA